The following is an entry in ClinVar:

ClinVar aggregate classification (germline): Uncertain significance. Review status: criteria provided, multiple submitters, no conflicts (2 of 4 stars). 2 submissions from 2 submitters: Uncertain significance (2). Last evaluated 2025-02-09.

Conditions:
GLUT1 deficiency syndrome 1, autosomal recessive. Identifiers: MedGen C3149117.

Allele frequency attached by ClinVar (database versions not stated): gnomAD exomes below 0.00001 and 0.00001.
gnomAD v4.1: 17 of 1,614,116 alleles (0.0011%); highest among the groups gnomAD compares: East Asian, 0.0022%; no homozygotes.

Submissions (2):

GeneDx
Classification: Uncertain significance. Last evaluated: 2025-02-09. Review status: criteria provided, single submitter. Criteria: GeneDx Variant Classification Process June 2021. Collection method: clinical testing. Allele origin: germline. Affected: yes.
Comment: Not observed at significant frequency in large population cohorts (gnomAD); In silico analysis indicates that this missense variant does not alter protein structure/function; Has not been previously published as pathogenic or benign to our knowledge

Labcorp Genetics (formerly Invitae), Labcorp
Classification: Uncertain significance for GLUT1 deficiency syndrome 1, autosomal recessive. Last evaluated: 2024-01-15. Review status: criteria provided, single submitter. Criteria: Invitae Variant Classification Sherloc (09022015). Collection method: clinical testing. Allele origin: germline.
Comment: This sequence change replaces isoleucine, which is neutral and non-polar, with valine, which is neutral and non-polar, at codon 193 of the SLC2A1 protein (p.Ile193Val). This variant is present in population databases (no rsID available, gnomAD 0.0009%). This variant has not been reported in the literature in individuals affected with SLC2A1-related conditions. ClinVar contains an entry for this variant (Variation ID: 1481609). Advanced modeling of protein sequence and biophysical properties (such as structural, functional, and spatial information, amino acid conservation, physicochemical variation, residue mobility, and thermodynamic stability) has been performed at Invitae for this missense variant, however the output from this modeling did not meet the statistical confidence thresholds required to predict the impact of this variant on SLC2A1 protein function. In summary, the available evidence is currently insufficient to determine the role of this variant in disease. Therefore, it has been classified as a Variant of Uncertain Significance.

NM_006516.4(SLC2A1):c.577A>G (p.Ile193Val)

Gene: SLC2A1 (solute carrier family 2 member 1; minus strand). Cytogenetic location: 1p34.2.
Variant type: single nucleotide variant.
Coding change: c.577A>G on transcript NM_006516.4 (MANE Select); coding-DNA position 577, A replaced by G.
Protein change: p.Ile193Val; replaces isoleucine 193 with valine.
Molecular consequence: missense variant.
Genome position (GRCh38, 1-based): chr1:42,929,975, T>C on the plus strand (A>G on the coding strand, the complement: SLC2A1 is on the minus strand). VCF-style: chr1-42929975-T-C. GRCh37 (hg19) VCF-style: chr1-43395646-T-C.
Other names: c.577A>G (NM_006516.2); short protein forms I193V.
Identifiers: ClinVar variation 1481609 (VCV001481609.7), dbSNP rs1212331558, ClinGen allele CA339958663.